The following is an entry in ClinVar:

ClinVar aggregate classification (germline): Uncertain significance (1 of 4 stars; one submission).

Submission:

Ambry Genetics
Classification: Uncertain significance. Last evaluated: 2024-07-13. Review status: criteria provided, single submitter. Criteria: Ambry Variant Classification Scheme 2023. Collection method: clinical testing. Allele origin: germline.
Comment: The p.N3150K variant (also known as c.9450T>G), located in coding exon 68 of the PRKDC gene, results from a T to G substitution at nucleotide position 9450. The asparagine at codon 3150 is replaced by lysine, an amino acid with similar properties. This amino acid position is conserved. In addition, this alteration is predicted to be tolerated by in silico analysis. Based on the available evidence, the clinical significance of this variant remains unclear.

NM_006904.7(PRKDC):c.9450T>G (p.Asn3150Lys)

Gene: PRKDC (protein kinase, DNA-activated, catalytic subunit; minus strand). Cytogenetic location: 8q11.21.
Variant type: single nucleotide variant.
Coding change: c.9450T>G on transcript NM_006904.7 (MANE Select); coding-DNA position 9450, T replaced by G.
Protein change: p.Asn3150Lys; replaces asparagine 3150 with lysine.
Molecular consequence: missense variant.
Genome position (GRCh38, 1-based): chr8:47,817,557, A>C on the plus strand (T>G on the coding strand, the complement: PRKDC is on the minus strand). VCF-style: chr8-47817557-A-C. GRCh37 (hg19) VCF-style: chr8-48730118-A-C.
Other names: c.9450T>G, p.Asn3150Lys (NM_001081640.2); short protein forms N3150K.
Identifiers: ClinVar variation 3425275 (VCV003425275.1).